The following is an entry in ClinVar:

ClinVar aggregate classification (germline): Uncertain significance (1 of 4 stars; one submission).

Conditions:
Aortic valve disease 2 (AOVD2). Identifiers: MedGen C3542024, MONDO:0013902, OMIM 614823.

gnomAD v4.1: 6 of 1,611,120 alleles (0.00037%); highest among the groups gnomAD compares: Admixed American, 0.0017%; no homozygotes.

Submission:

Labcorp Genetics (formerly Invitae), Labcorp
Classification: Uncertain significance for Aortic valve disease 2. Last evaluated: 2023-11-25. Review status: criteria provided, single submitter. Criteria: Invitae Variant Classification Sherloc (09022015). Collection method: clinical testing. Allele origin: germline.
Comment: This sequence change affects an acceptor splice site in intron 2 of the SMAD6 gene. It is expected to disrupt RNA splicing. Variants that disrupt the donor or acceptor splice site typically lead to a loss of protein function (PMID: 16199547), however the current clinical and genetic evidence is not sufficient to establish whether loss-of-function variants in SMAD6 cause disease. This variant is present in population databases (rs768925483, gnomAD 0.003%). This variant has not been reported in the literature in individuals affected with SMAD6-related conditions. Algorithms developed to predict the effect of sequence changes on RNA splicing suggest that this variant may disrupt the consensus splice site. In summary, the available evidence is currently insufficient to determine the role of this variant in disease. Therefore, it has been classified as a Variant of Uncertain Significance.

Literature cited by the submitters: PubMed 16199547.

NM_005585.5(SMAD6):c.875-1G>A

Gene: SMAD6 (SMAD family member 6; plus strand). Cytogenetic location: 15q22.31.
Variant type: single nucleotide variant.
Coding change: c.875-1G>A on transcript NM_005585.5 (MANE Select); the canonical splice acceptor site of the intron before coding-DNA position 875, G replaced by A.
Molecular consequence: splice acceptor variant.
Genome position (GRCh38, 1-based): chr15:66,716,420, G>A. VCF-style: chr15-66716420-G-A. GRCh37 (hg19) VCF-style: chr15-67008758-G-A.
Identifiers: ClinVar variation 2888405 (VCV002888405.3), dbSNP rs768925483, ClinGen allele CA7626632.